The following is an entry in ClinVar:

ClinVar aggregate classification (germline): Pathogenic (1 of 4 stars; one submission).

Conditions:
Multiple sulfatase deficiency (MSD). Also called: Mucosulfatidosis; Multiple Sulfatase Deficiency Disease; Sulfatidosis, Juvenile, Austin Type. Identifiers: Orphanet 585, MedGen C0268263, MONDO:0010088, OMIM 272200.

Submission:

Labcorp Genetics (formerly Invitae), Labcorp
Classification: Pathogenic for Multiple sulfatase deficiency. Last evaluated: 2025-12-19. Review status: criteria provided, single submitter. Criteria: Invitae Variant Classification Sherloc (09022015). Collection method: clinical testing. Allele origin: germline.
Comment: This sequence change creates a premature translational stop signal (p.Asp127Profs*13) in the SUMF1 gene. It is expected to result in an absent or disrupted protein product. Loss-of-function variants in SUMF1 are known to be pathogenic (PMID: 12757705, 12757706, 25885655). This variant is not present in population databases (gnomAD no frequency). This variant has not been reported in the literature in individuals affected with SUMF1-related conditions. For these reasons, this variant has been classified as Pathogenic.

Literature cited by the submitters: PubMed 12757705; PubMed 12757706; PubMed 25885655.

NM_182760.4(SUMF1):c.379_382del (p.Asp127fs)

Gene: SUMF1 (sulfatase modifying factor 1; minus strand). Cytogenetic location: 3p26.1.
Variant type: Deletion.
Coding change: c.379_382del on transcript NM_182760.4 (MANE Select); coding-DNA positions 379 to 382, 4 bases deleted (GATG; older notation c.379_382delGATG).
Protein change: p.Asp127fs; shifts the reading frame from aspartic acid 127.
Molecular consequence: frameshift variant.
Genome position (GRCh38, 1-based): chr3:4,452,938-4,452,941, CATC deleted on the plus strand (GATG on the coding strand, the reverse complement: SUMF1 is on the minus strand); deleting any 4 consecutive bases within chr3:4,452,938-4,452,944 gives the same sequence; the c. name uses the placement nearest the transcript's 3' end. VCF-style (leftmost placement, unchanged base first): chr3-4452937-GCATC-G. GRCh37 (hg19) VCF-style: chr3-4494621-GCATC-G.
Other names: c.379_382del, p.Asp127fs (NM_001164674.2, NM_001164675.2); short protein forms D127fs.
Identifiers: ClinVar variation 4768834 (VCV004768834.1).
Genomic context (GRCh38, chr3:4,452,937, plus strand): 5'-TCTGTCAAATAGCCAGTTGAGTTCACAAACTTCTCAAATTCAGTATTACTGACTTCATAG[GCATC>G]CATGTAAAAGGCATCAATAGTAACTCTCCTCGCAGGTGCTTCCCCATCCTGCTTTATCTG-3'